The following is an entry in ClinVar:

ClinVar aggregate classification (germline): Likely benign. Review status: criteria provided, multiple submitters, no conflicts (2 of 4 stars). 3 submissions from 3 submitters: Likely benign (2). 1 of the submissions does not count toward it. Last evaluated 2026-09-01.

Conditions:
GLI2-related disorder. Also called: GLI2-related condition; GLI2-related disorders.

Allele frequency attached by ClinVar (database versions not stated): TOPMed 0.00001; gnomAD exomes 0.00002.
gnomAD v4.1: 10 of 1,614,126 alleles (0.00062%); highest among the groups gnomAD compares: Admixed American, 0.015%; no homozygotes.

Submissions (3):

CeGaT Center for Human Genetics Tuebingen
Classification: Likely benign. Last evaluated: 2026-09-01. Review status: criteria provided, single submitter. Criteria: CeGaT Center For Human Genetics Tuebingen Variant Classification Criteria Version 2. Collection method: clinical testing. Allele origin: germline. Affected: yes. Observed: 1 variant allele.
Comment: GLI2: BP4, BP7

Women's Health and Genetics/Laboratory Corporation of America, LabCorp
Classification: Likely benign. Last evaluated: 2026-05-13. Review status: criteria provided, single submitter. Criteria: LabCorp Variant Classification Summary - May 2015. Collection method: clinical testing. Allele origin: germline.

PreventionGenetics, part of Exact Sciences
Classification: Likely benign for GLI2-related condition. Last evaluated: 2020-02-19. Review status: no assertion criteria provided. Collection method: clinical testing. Allele origin: germline. Not counted in ClinVar's aggregate classification.
Comment: This variant is classified as likely benign based on ACMG/AMP sequence variant interpretation guidelines (Richards et al. 2015 PMID: 25741868, with internal and published modifications).

NM_001374353.1(GLI2):c.4452C>T (p.Asp1484=)

Gene: GLI2 (GLI family zinc finger 2; plus strand). Cytogenetic location: 2q14.2.
Variant type: single nucleotide variant.
Coding change: c.4452C>T on transcript NM_001374353.1 (MANE Select); coding-DNA position 4452, C replaced by T.
Protein change: p.Asp1484=; no amino-acid change (aspartic acid 1484 retained).
Molecular consequence: synonymous variant.
Genome position (GRCh38, 1-based): chr2:120,990,417, C>T. VCF-style: chr2-120990417-C-T. GRCh37 (hg19) VCF-style: chr2-121747993-C-T.
Other names: c.4503C>T, p.Asp1501= (NM_001371271.1, NM_005270.5); c.4077C>T, p.Asp1359= (NM_001374354.1).
Identifiers: ClinVar variation 3052108 (VCV003052108.4), dbSNP rs965321432, ClinGen allele CA54386401.